The following is an entry in ClinVar:

ClinVar aggregate classification (germline): Conflicting classifications of pathogenicity. Review status: criteria provided, conflicting classifications (1 of 4 stars). 4 submissions from 4 submitters: Uncertain significance (1); Benign (1); Likely benign (1). 1 of the submissions does not count toward it. Last evaluated 2025-12-25.

Conditions:
DNAH9-related disorder. Also called: DNAH9-related condition.
Inborn genetic diseases. Identifiers: MedGen C0950123, MeSH D030342.

Allele frequency attached by ClinVar (database versions not stated): ESP Exome Variant Server 0.00008; gnomAD exomes 0.00032 and 0.00091; gnomAD 0.00036 and 0.00046; TOPMed 0.00049; ExAC 0.00092; 1000 Genomes Project 30x 0.00156; 1000 Genomes Project 0.00180.

Submissions (4):

Labcorp Genetics (formerly Invitae), Labcorp
Classification: Benign. Last evaluated: 2025-12-25. Review status: criteria provided, single submitter. Criteria: Invitae Variant Classification Sherloc (09022015). Collection method: clinical testing. Allele origin: germline.

Blueprint Genetics
Classification: Likely benign. Last evaluated: 2024-11-26. Review status: criteria provided, single submitter. Criteria: ACMG Guidelines, 2015. Collection method: clinical testing. Allele origin: germline.

Ambry Genetics
Classification: Uncertain significance for Inborn genetic diseases. Last evaluated: 2024-01-16. Review status: criteria provided, single submitter. Criteria: Ambry Variant Classification Scheme 2023. Collection method: clinical testing. Allele origin: germline.

PreventionGenetics, part of Exact Sciences
Classification: Benign for DNAH9-related condition. Last evaluated: 2019-09-18. Review status: no assertion criteria provided. Collection method: clinical testing. Allele origin: germline. Not counted in ClinVar's aggregate classification.
Comment: This variant is classified as benign based on ACMG/AMP sequence variant interpretation guidelines (Richards et al. 2015 PMID: 25741868, with internal and published modifications).

NM_001372.4(DNAH9):c.7415G>A (p.Arg2472Gln)

Gene: DNAH9 (dynein axonemal heavy chain 9; plus strand). Cytogenetic location: 17p12.
Variant type: single nucleotide variant.
Coding change: c.7415G>A on transcript NM_001372.4 (MANE Select); coding-DNA position 7415, G replaced by A.
Protein change: p.Arg2472Gln; replaces arginine 2472 with glutamine.
Molecular consequence: missense variant.
Genome position (GRCh38, 1-based): chr17:11,769,192, G>A. VCF-style: chr17-11769192-G-A. GRCh37 (hg19) VCF-style: chr17-11672509-G-A.
Other names: c.7415G>A (NM_001372.3); short protein forms R2472Q.
Identifiers: ClinVar variation 1535065 (VCV001535065.12), dbSNP rs188772907, ClinGen allele CA8396628.